The following is an entry in ClinVar:

ClinVar aggregate classification (germline): Uncertain significance (1 of 4 stars; one submission).

Conditions:
Syndromic multisystem autoimmune disease due to ITCH deficiency. Also called: AUTOIMMUNE DISEASE, MULTISYSTEM, WITH FACIAL DYSMORPHISM. Identifiers: Orphanet 228426, MedGen C3150649, MONDO:0013245, OMIM 613385.

Submission:

Labcorp Genetics (formerly Invitae), Labcorp
Classification: Uncertain significance for Syndromic multisystem autoimmune disease due to ITCH deficiency. Last evaluated: 2022-10-08. Review status: criteria provided, single submitter. Criteria: Invitae Variant Classification Sherloc (09022015). Collection method: clinical testing. Allele origin: germline.
Comment: This variant, c.763_768del, results in the deletion of 2 amino acid(s) of the ITCH protein (p.Asn255_Thr256del), but otherwise preserves the integrity of the reading frame. This variant is present in population databases (rs774002317, gnomAD 0.02%). This variant has not been reported in the literature in individuals affected with ITCH-related conditions. ClinVar contains an entry for this variant (Variation ID: 538754). Experimental studies and prediction algorithms are not available or were not evaluated, and the functional significance of this variant is currently unknown. In summary, the available evidence is currently insufficient to determine the role of this variant in disease. Therefore, it has been classified as a Variant of Uncertain Significance.

NM_031483.7(ITCH):c.751AATACA[2] (p.251NT[2])

Gene: ITCH (itchy E3 ubiquitin protein ligase; plus strand). Cytogenetic location: 20q11.22.
Variant type: Microsatellite.
Coding change: c.751AATACA[2] on transcript NM_031483.7 (MANE Select); two copies in a row of the 6-base unit AATACA starting at c.751; the reference has three copies in a row; one copy, 6 bases deleted.
Protein change: p.251NT[2].
Molecular consequence: inframe deletion.
Genome position (GRCh38, 1-based): chr20:34,440,238-34,440,243, AATACA deleted; deleting any 6 consecutive bases within chr20:34,440,223-34,440,243 gives the same sequence; the position shown is the placement nearest the transcript's 3' end. VCF-style (leftmost placement, unchanged base first): chr20-34440222-GACAAAT-G. GRCh37 (hg19) VCF-style: chr20-33028027-GACAAAT-G.
Other names: c.874AATACA[2], p.292NT[2] (NM_001257137.3, NM_001324197.2); c.421AATACA[2], p.141NT[2] (NM_001257138.3); c.751AATACA[2], p.251NT[2] (NM_001324198.2).
Identifiers: ClinVar variation 538754 (VCV000538754.5), dbSNP rs752161809, ClinGen allele CA9821431.